The following is an entry in ClinVar:

ClinVar aggregate classification (germline): Uncertain significance (1 of 4 stars; one submission).

Conditions:
Hypertrophic cardiomyopathy. Also called: HYPERTROPHIC MYOCARDIOPATHY. Identifiers: Orphanet 217569, MedGen C0007194, MeSH D002312, MONDO:0005045, HP:0001639.

Submission:

All of Us Research Program, National Institutes of Health
Classification: Uncertain significance for Hypertrophic cardiomyopathy. Last evaluated: 2024-02-22. Review status: criteria provided, single submitter. Criteria: ACMG Guidelines, 2015. Collection method: clinical testing. Allele origin: germline. Inheritance: Autosomal dominant inheritance. Observed: 1 variant allele, 1 heterozygote.
Comment: This missense variant replaces proline with alanine at codon 215 of the PRKAG2 protein. Computational prediction suggests that this variant may not impact protein structure and function (internally defined REVEL score threshold <= 0.5, PMID: 27666373). To our knowledge, functional studies have not been reported for this variant. This variant has not been reported in individuals affected with PRKAG2-related disorders in the literature. This variant has not been identified in the general population by the Genome Aggregation Database (gnomAD). The available evidence is insufficient to determine the role of this variant in disease conclusively. Therefore, this variant is classified as a Variant of Uncertain Significance.

This study involves interpretation of variants in research participants for the purpose of population health screening. Participant phenotype was not available at the time of variant classification. Additional details can be found in publication PMID: 35346344, PMCID: PMC8962531

NM_016203.4(PRKAG2):c.643C>G (p.Pro215Ala)

Gene: PRKAG2 (protein kinase AMP-activated non-catalytic subunit gamma 2; minus strand). Cytogenetic location: 7q36.1.
Variant type: single nucleotide variant.
Coding change: c.643C>G on transcript NM_016203.4 (MANE Select); coding-DNA position 643, C replaced by G.
Protein change: p.Pro215Ala; replaces proline 215 with alanine.
Molecular consequence: missense variant. On other transcripts: intron variant (5).
Genome position (GRCh38, 1-based): chr7:151,675,461, G>C on the plus strand (C>G on the coding strand, the complement: PRKAG2 is on the minus strand). VCF-style: chr7-151675461-G-C. GRCh37 (hg19) VCF-style: chr7-151372547-G-C.
Other names: c.511C>G, p.Pro171Ala (NM_001040633.2, NM_001407024.1, NM_001407026.1 and 1 more transcripts); c.271C>G, p.Pro91Ala (NM_001304527.2, NM_001363698.2, NM_001407028.1 and 1 more transcripts); c.643C>G, p.Pro215Ala (NM_001407021.1, NM_001407022.1, NM_001407023.1); c.325C>G, p.Pro109Ala (NM_001407032.1); c.467-80010C>G (NM_001407031.1); c.467-80007C>G (NM_001407030.1); c.361-43323C>G (NM_001407033.1); c.94+60439C>G (NM_001407037.1); and 1 more; short protein forms P109A, P171A, P215A, P91A.
Identifiers: ClinVar variation 3387534 (VCV003387534.1).